The following is an entry in ClinVar:

NM_001001671.4(MAP3K15):c.2865C>T (p.Ser955=)

Gene: MAP3K15 (mitogen-activated protein kinase kinase kinase 15; minus strand). Cytogenetic location: Xp22.12.
Variant type: single nucleotide variant.
Coding change: c.2865C>T on transcript NM_001001671.4 (MANE Select); coding-DNA position 2865, C replaced by T.
Protein change: p.Ser955=; no amino-acid change (serine 955 retained).
Molecular consequence: synonymous variant.
Genome position (GRCh38, 1-based): chrX:19,373,604, G>A on the plus strand (C>T on the coding strand, the complement: MAP3K15 is on the minus strand). VCF-style: chrX-19373604-G-A. GRCh37 (hg19) VCF-style: chrX-19391722-G-A.
Identifiers: ClinVar variation 3045401 (VCV003045401.2), dbSNP rs143992275, ClinGen allele CA10363634.
Genomic context (GRCh38, chrX:19,373,604, plus strand): 5'-GTGGCCAAGGTGGTGCCTGGGCGCCCGGGTCCTCTCAAAGAGTGCGTCAGGCTGGGCGTC[G>A]GAGTCTGGGGAGACAGAGCCGTGCTCGCTGCTGCTGGTGGCCATGGGCTCTCCCTGTGTG-3'
Protein context (NP_001001671.3, residues 945-965): SSEHGSVSPD[Ser955=]DAQPDALFER

ClinVar aggregate classification (germline): Likely benign (0 of 4 stars; one submission).

Conditions:
MAP3K15-related disorder. Also called: MAP3K15-related condition.

Allele frequency attached by ClinVar (database versions not stated): ESP Exome Variant Server 0.00066; TOPMed 0.00071; gnomAD 0.00101; 1000 Genomes Project 30x 0.00104; 1000 Genomes Project 0.00132; ExAC 0.00252.
gnomAD v4.1: 1,497 of 1,187,290 alleles (0.13%); highest among the groups gnomAD compares: Non-Finnish European, 0.13%; 2 homozygotes.

Submission:

PreventionGenetics, part of Exact Sciences
Classification: Likely benign for MAP3K15-related condition. Last evaluated: 2019-10-30. Review status: no assertion criteria provided. Collection method: clinical testing. Allele origin: germline.
Comment: This variant is classified as likely benign based on ACMG/AMP sequence variant interpretation guidelines (Richards et al. 2015 PMID: 25741868, with internal and published modifications).